The following is an entry in ClinVar:

ClinVar aggregate classification (germline): Likely benign. Review status: criteria provided, multiple submitters, no conflicts (2 of 4 stars). 5 submissions from 5 submitters: Likely benign (5). Last evaluated 2026-01-20.

Conditions:
TCN2-related disorder. Also called: TCN2-related condition.
Transcobalamin II deficiency (TCN2D). Also called: Transcolabamin II deficiency; TC II DEFICIENCY; TCN2 DEFICIENCY. Identifiers: Orphanet 859, MedGen C0342701, MONDO:0010149, OMIM 275350.

Allele frequency attached by ClinVar (database versions not stated): gnomAD 0.00047 and 0.00032; gnomAD exomes 0.00071 and 0.00020; ExAC 0.00073; TOPMed 0.00130; 1000 Genomes Project 30x 0.00219; 1000 Genomes Project 0.00280; ESP Exome Variant Server 0.00008.
gnomAD v4.1: 385 of 1,614,150 alleles (0.024%); highest among the groups gnomAD compares: East Asian, 0.55%; 6 homozygotes.

Submissions (5):

Labcorp Genetics (formerly Invitae), Labcorp
Classification: Likely benign for Transcobalamin II deficiency. Last evaluated: 2026-01-20. Review status: criteria provided, single submitter. Criteria: Invitae Variant Classification Sherloc (09022015). Collection method: clinical testing. Allele origin: germline.

PreventionGenetics, part of Exact Sciences
Classification: Likely benign for TCN2-related condition. Last evaluated: 2024-12-02. Review status: criteria provided, single submitter. Criteria: ACMG Guidelines, 2015. Collection method: clinical testing. Allele origin: germline.
Comment: This variant is classified as likely benign based on ACMG/AMP sequence variant interpretation guidelines (Richards et al. 2015 PMID: 25741868, with internal and published modifications).

Blueprint Genetics
Classification: Likely benign. Last evaluated: 2024-11-27. Review status: criteria provided, single submitter. Criteria: ACMG Guidelines, 2015. Collection method: clinical testing. Allele origin: germline.

CeGaT Center for Human Genetics Tuebingen
Classification: Likely benign. Last evaluated: 2023-10-01. Review status: criteria provided, single submitter. Criteria: CeGaT Center For Human Genetics Tuebingen Variant Classification Criteria Version 2. Collection method: clinical testing. Allele origin: germline. Affected: yes. Observed: 1 variant allele.
Comment: TCN2: BP4, BS2

Illumina Laboratory Services, Illumina
Classification: Likely benign for Transcobalamin II deficiency. Last evaluated: 2018-01-13. Review status: criteria provided, single submitter. Criteria: ICSL Variant Classification Criteria 13 December 2019. Collection method: clinical testing. Allele origin: germline.
Comment: This variant was observed in the ICSL laboratory as part of a predisposition screen in an ostensibly healthy population. It had not been previously curated by ICSL or reported in the Human Gene Mutation Database (HGMD: prior to June 1st, 2018), and was therefore a candidate for classification through an automated scoring system. Utilizing variant allele frequency, disease prevalence and penetrance estimates, and inheritance mode, an automated score was calculated to assess if this variant is too frequent to cause the disease. Based on the score and internal cut-off values, a variant classified as likely benign is not then subjected to further curation. The score for this variant resulted in a classification of likely benign for this disease.

NM_000355.4(TCN2):c.509G>A (p.Arg170Gln)

Gene: TCN2 (transcobalamin 2; plus strand). Cytogenetic location: 22q12.2.
Variant type: single nucleotide variant.
Coding change: c.509G>A on transcript NM_000355.4 (MANE Select); coding-DNA position 509, G replaced by A.
Protein change: p.Arg170Gln; replaces arginine 170 with glutamine.
Molecular consequence: missense variant.
Genome position (GRCh38, 1-based): chr22:30,614,430, G>A. VCF-style: chr22-30614430-G-A. GRCh37 (hg19) VCF-style: chr22-31010417-G-A.
Other names: c.428G>A, p.Arg143Gln (NM_001184726.2); short protein forms R170Q, R143Q.
Identifiers: ClinVar variation 341197 (VCV000341197.41), dbSNP rs117353193, ClinGen allele CA10184685.